The following is an entry in ClinVar:

NM_001267550.2(TTN):c.52411C>T (p.Pro17471Ser)

Genes: TTN (titin; minus strand), TTN-AS1 (TTN antisense RNA 1; plus strand). Cytogenetic location: 2q31.2.
Variant type: single nucleotide variant.
Coding change: c.52411C>T on transcript NM_001267550.2 (MANE Select); coding-DNA position 52411, C replaced by T.
Protein change: p.Pro17471Ser; replaces proline 17471 with serine.
Molecular consequence: missense variant.
Genome position (GRCh38, 1-based): chr2:178,608,472, G>A on the plus strand (C>T on the coding strand, the complement: TTN is on the minus strand). VCF-style: chr2-178608472-G-A. GRCh37 (hg19) VCF-style: chr2-179473199-G-A.
Other names: c.47488C>T, p.Pro15830Ser (NM_001256850.1); c.25216C>T, p.Pro8406Ser (NM_003319.4); c.44707C>T, p.Pro14903Ser (NM_133378.4); c.25591C>T, p.Pro8531Ser (NM_133432.3); c.25792C>T, p.Pro8598Ser (NM_133437.4); short protein forms P14903S, P15830S, P17471S, P8406S, P8531S, P8598S.
Identifiers: ClinVar variation 994582 (VCV000994582.3), dbSNP rs551867239, ClinGen allele CA1993993.
Genomic context (GRCh38, chr2:178,608,472, plus strand): 5'-ATTTCACTAGCATACTGTTGCTGGTAACATCTTCCACAATGGGCTTATCTGGTGCATCAG[G>A]TGGTCCTGATAAAAAAATAACATTTGAAGTAAATTTCCCAGTATGACATAAAAATGCAAT-3'
Protein context (NP_001254479.2, residues 17461-17481): PLVAKDPFGP[Pro17471Ser]DAPDKPIVED

ClinVar aggregate classification (germline): Uncertain significance. Review status: criteria provided, multiple submitters, no conflicts (2 of 4 stars). 2 submissions from 2 submitters: Uncertain significance (2). Last evaluated 2020-01-15.

Conditions:
Cardiovascular phenotype. Identifiers: MedGen CN230736.

Allele frequency attached by ClinVar (database versions not stated): gnomAD exomes below 0.00001 and 0.00001; gnomAD 0.00001; TOPMed 0.00001; ExAC 0.00004; 1000 Genomes Project 30x 0.00016; 1000 Genomes Project 0.00020.
gnomAD v4.1: 7 of 1,581,638 alleles (0.00044%); highest among the groups gnomAD compares: South Asian, 0.0047%; no homozygotes.

Submissions (2):

Athena Diagnostics
Classification: Uncertain significance. Last evaluated: 2020-01-15. Review status: criteria provided, single submitter. Criteria: Athena Diagnostics Criteria. Collection method: clinical testing. Allele origin: unknown.

Ambry Genetics
Classification: Uncertain significance for Cardiovascular phenotype. Last evaluated: 2019-12-11. Review status: criteria provided, single submitter. Criteria: Ambry Variant Classification Scheme 2023. Collection method: clinical testing. Allele origin: germline.
Comment: The p.P8406S variant (also known as c.25216C>T), located in coding exon 102 of the TTN gene, results from a C to T substitution at nucleotide position 25216. The proline at codon 8406 is replaced by serine, an amino acid with similar properties. This amino acid position is highly conserved in available vertebrate species. In addition, this alteration is predicted to be tolerated by in silico analysis. Since supporting evidence is limited at this time, the clinical significance of this alteration remains unclear.